The following is an entry in ClinVar:

NM_172107.4(KCNQ2):c.563A>G (p.Gln188Arg)

Gene: KCNQ2 (potassium voltage-gated channel subfamily Q member 2; minus strand). Cytogenetic location: 20q13.33.
Variant type: single nucleotide variant.
Coding change: c.563A>G on transcript NM_172107.4 (MANE Select); coding-DNA position 563, A replaced by G.
Protein change: p.Gln188Arg; replaces glutamine 188 with arginine.
Molecular consequence: missense variant.
Genome position (GRCh38, 1-based): chr20:63,444,786, T>C on the plus strand (A>G on the coding strand, the complement: KCNQ2 is on the minus strand). VCF-style: chr20-63444786-T-C. GRCh37 (hg19) VCF-style: chr20-62076139-T-C.
Other names: c.563A>G, p.Gln188Arg (NM_172108.5, NM_172109.3, NM_001382235.1 and 2 more transcripts); short protein forms Q188R.
Identifiers: ClinVar variation 2124658 (VCV002124658.4), dbSNP rs1064797285, ClinGen allele CA409654877.

ClinVar aggregate classification (germline): Likely pathogenic (1 of 4 stars; one submission).

Conditions:
Early-infantile DEE. Also called: Early infantile epileptic encephalopathy; Ohtahara syndrome; Early infantile epileptic encephalopathy with suppression bursts. Identifiers: Orphanet 1934, MedGen C0393706, MONDO:0800491.

Submission:

Labcorp Genetics (formerly Invitae), Labcorp
Classification: Likely pathogenic for Early-infantile DEE. Last evaluated: 2022-04-11. Review status: criteria provided, single submitter. Criteria: Invitae Variant Classification Sherloc (09022015). Collection method: clinical testing. Allele origin: germline.
Comment: In summary, the currently available evidence indicates that the variant is pathogenic, but additional data are needed to prove that conclusively. Therefore, this variant has been classified as Likely Pathogenic. This variant disrupts the p.Gln188 amino acid residue in KCNQ2. Other variant(s) that disrupt this residue have been determined to be pathogenic (PMID: 33935161). This suggests that this residue is clinically significant, and that variants that disrupt this residue are likely to be disease-causing. Advanced modeling of protein sequence and biophysical properties (such as structural, functional, and spatial information, amino acid conservation, physicochemical variation, residue mobility, and thermodynamic stability) performed at Invitae indicates that this missense variant is expected to disrupt KCNQ2 protein function. This variant has not been reported in the literature in individuals affected with KCNQ2-related conditions. This variant is not present in population databases (gnomAD no frequency). This sequence change replaces glutamine, which is neutral and polar, with arginine, which is basic and polar, at codon 188 of the KCNQ2 protein (p.Gln188Arg).

Literature cited by the submitters: PubMed 33935161.